The following is an entry in ClinVar:

NM_000276.4(OCRL):c.1602G>A (p.Gly534=)

Gene: OCRL (OCRL inositol polyphosphate-5-phosphatase; plus strand). Cytogenetic location: Xq26.1.
Variant type: single nucleotide variant.
Coding change: c.1602G>A on transcript NM_000276.4 (MANE Select); coding-DNA position 1602, G replaced by A.
Protein change: p.Gly534=; no amino-acid change (glycine 534 retained).
Molecular consequence: synonymous variant.
Genome position (GRCh38, 1-based): chrX:129,569,399, G>A. VCF-style: chrX-129569399-G-A. GRCh37 (hg19) VCF-style: chrX-128703376-G-A.
Other names: c.1605G>A, p.Gly535= (NM_001318784.2); c.1602G>A, p.Gly534= (NM_001587.4).
Identifiers: ClinVar variation 457991 (VCV000457991.5), dbSNP rs773214157, ClinGen allele CA10512213.

ClinVar aggregate classification (germline): Uncertain significance. Review status: criteria provided, multiple submitters, no conflicts (2 of 4 stars). 2 submissions from 2 submitters: Uncertain significance (2). Last evaluated 2025-10-03.

Conditions:
Dent disease type 2. Identifiers: Orphanet 1652, Orphanet 93623, MedGen C1845167, MONDO:0010359, OMIM 300555.
Lowe syndrome (OCRL). Also called: LOWE OCULOCEREBRORENAL SYNDROME; Oculocerebrorenal Syndrome; PHOSPHATIDYLINOSITOL 4,5-BISPHOSPHATE 5-PHOSPHATASE DEFICIENCY. Identifiers: Orphanet 534, MedGen C0028860, MONDO:0010645, OMIM 309000.

Allele frequency attached by ClinVar (database versions not stated): ExAC 0.00001; gnomAD exomes 0.00001; gnomAD 0.00003 and 0.00004; TOPMed 0.00005.
gnomAD v4.1: 37 of 1,206,930 alleles (0.0031%); highest among the groups gnomAD compares: Non-Finnish European, 0.0037%; no homozygotes.

Submissions (2):

Rare Kidney Stone Consortium and the Mayo Clinic Hyperoxaluria Center, Mayo Clinic
Classification: Uncertain significance for Dent disease type 2; Lowe syndrome. Last evaluated: 2025-10-03. Review status: criteria provided, single submitter. Criteria: ACMG Guidelines, 2015. Collection method: research. Allele origin: germline. Observed: 1 variant allele.
Comment: ACMG:PM2, PP3

Labcorp Genetics (formerly Invitae), Labcorp
Classification: Uncertain significance for Lowe syndrome. Last evaluated: 2017-07-30. Review status: criteria provided, single submitter. Criteria: Invitae Variant Classification Sherloc (09022015). Collection method: clinical testing. Allele origin: germline.
Comment: This sequence change affects codon 534 of the OCRL mRNA. It is a 'silent' change, meaning that it does not change the encoded amino acid sequence of the OCRL protein. This variant also falls at the last nucleotide of exon 15 of the OCRL coding sequence, which is part of the consensus splice site for this exon. Nucleotide substitutions within the consensus splice site are relatively common causes of aberrant splicing (PMID: 17576681, 9536098). This variant is present in population databases (rs773214157, ExAC 0.002%). This variant has not been reported in the literature in individuals with OCRL-related disease. Algorithms developed to predict the effect of sequence changes on RNA splicing suggest that this variant may disrupt the consensus splice site, but this prediction has not been confirmed by published transcriptional studies. In summary, the available evidence is currently insufficient to determine the role of this variant in disease. Therefore, it has been classified as a Variant of Uncertain Significance.

Literature cited by the submitters: PubMed 40794449 (cited by Rare Kidney Stone Consortium and the Mayo Clinic Hyperoxaluria Center, Mayo Clinic); PubMed 17576681 (cited by Labcorp Genetics (formerly Invitae), Labcorp); PubMed 9536098 (cited by Labcorp Genetics (formerly Invitae), Labcorp).